The following is an entry in ClinVar:

NM_002878.4(RAD51D):c.144+7T>A

Genes: RAD51D (RAD51 paralog D; minus strand), RAD51L3-RFFL (RAD51L3-RFFL readthrough; minus strand). Cytogenetic location: 17q12.
Variant type: single nucleotide variant.
Coding change: c.144+7T>A on transcript NM_002878.4 (MANE Select); 7 bases into the intron after coding-DNA position 144, T replaced by A.
Molecular consequence: intron variant.
Genome position (GRCh38, 1-based): chr17:35,119,104, A>T on the plus strand (T>A on the coding strand, the complement: RAD51D is on the minus strand). VCF-style: chr17-35119104-A-T. GRCh37 (hg19) VCF-style: chr17-33446123-A-T.
Other names: c.144+7T>A (NM_133629.3, NM_001142571.2).
Identifiers: ClinVar variation 3626358 (VCV003626358.3).
Genomic context (GRCh38, chr17:35,119,104, plus strand): 5'-CCAGCTGGCTTGGGATGGACTTTTTAAAAAGACACTCAGGTTTGGAATGTGGAGATCAGG[A>T]GCTCACCTTGTAAGACAAGCCACATTTCTGAGCTACCTCTTCCAGGTCTGCAGAAACCAG-3'

ClinVar aggregate classification (germline): Likely benign. Review status: criteria provided, multiple submitters, no conflicts (2 of 4 stars). 2 submissions from 2 submitters: Likely benign (2). Last evaluated 2025-02-20.

Conditions:
Breast-ovarian cancer, familial, susceptibility to, 4. Identifiers: Orphanet 145, MedGen C3280345, MONDO:0013669, OMIM 614291.

Submissions (2):

Myriad Genetics, Inc.
Classification: Likely benign for Breast-ovarian cancer, familial, susceptibility to, 4. Last evaluated: 2025-02-20. Review status: criteria provided, single submitter. Criteria: Myriad Autosomal Dominant, Autosomal Recessive and X-Linked Classification Criteria (2023). Collection method: clinical testing. Allele origin: unknown.
Comment: This variant is considered likely benign. This variant is intronic and is not expected to impact mRNA splicing.

Labcorp Genetics (formerly Invitae), Labcorp
Classification: Likely benign for Breast-ovarian cancer, familial, susceptibility to, 4. Last evaluated: 2024-05-16. Review status: criteria provided, single submitter. Criteria: Invitae Variant Classification Sherloc (09022015). Collection method: clinical testing. Allele origin: germline.